The following is an entry in ClinVar:

ClinVar aggregate classification (germline): Likely benign (1 of 4 stars; one submission).

Allele frequency attached by ClinVar (database versions not stated): gnomAD exomes below 0.00001 and 0.00002; ExAC 0.00001; TOPMed 0.00002.
gnomAD v4.1: 33 of 1,613,708 alleles (0.002%); highest among the groups gnomAD compares: Non-Finnish European, 0.0027%; no homozygotes.

Submission:

GeneDx
Classification: Likely benign. Last evaluated: 2017-12-06. Review status: criteria provided, single submitter. Criteria: GeneDx Variant Classification (06012015). Collection method: clinical testing. Allele origin: germline. Affected: yes.
Comment: This variant is considered likely benign or benign based on one or more of the following criteria: it is a conservative change, it occurs at a poorly conserved position in the protein, it is predicted to be benign by multiple in silico algorithms, and/or has population frequency not consistent with disease.

NM_001743.6(CALM2):c.-16C>T

Gene: CALM2 (calmodulin 2; minus strand). Cytogenetic location: 2p21.
Variant type: single nucleotide variant.
Coding change: c.-16C>T on transcript NM_001743.6 (MANE Select); 16 bases upstream of the start codon, C replaced by T.
Molecular consequence: 5 prime UTR variant. On other transcripts: missense variant (1), intron variant (1).
Genome position (GRCh38, 1-based): chr2:47,176,459, G>A on the plus strand (C>T on the coding strand, the complement: CALM2 is on the minus strand). VCF-style: chr2-47176459-G-A. GRCh37 (hg19) VCF-style: chr2-47403598-G-A.
Other names: c.83C>T, p.Pro28Leu (NM_001305624.1); c.-106+390C>T (NM_001305625.2); short protein forms P28L.
Identifiers: ClinVar variation 513901 (VCV000513901.1), dbSNP rs752149020, ClinGen allele CA1648674.
Genomic context (GRCh38, chr2:47,176,459, plus strand): 5'-CCCCCCACAGGCCCAGCGCCGGCAGCTCAGCGATGCACTCACCATGCTGCAAGCGCTACC[G>A]GTTTCCGAGACGCGACCACACAACCACTCAGCTCGCTCTCTCCACTCGGACTAATTCGCC-3'